The following is an entry in ClinVar:

NM_000256.3(MYBPC3):c.3720_3724del (p.Arg1241fs)

Gene: MYBPC3 (myosin binding protein C3; minus strand). Cytogenetic location: 11p11.2.
Variant type: Deletion.
Coding change: c.3720_3724del on transcript NM_000256.3 (MANE Select); coding-DNA positions 3720 to 3724, 5 bases deleted (TAGAA; older notation c.3720_3724delTAGAA).
Protein change: p.Arg1241fs; shifts the reading frame from arginine 1241.
Molecular consequence: frameshift variant.
Genome position (GRCh38, 1-based): chr11:47,332,162-47,332,166, TTCTA deleted on the plus strand (TAGAA on the coding strand, the reverse complement: MYBPC3 is on the minus strand). VCF-style (leftmost placement, unchanged base first): chr11-47332161-TTTCTA-T. GRCh37 (hg19) VCF-style: chr11-47353712-TTTCTA-T.
Other names: short protein forms R1241fs.
Identifiers: ClinVar variation 4730208 (VCV004730208.1).
Genomic context (GRCh38, chr11:47,332,161, plus strand): 5'-GCCTCGCCCTGTAAGTTGGTGGCCCTGCAGACATAGATGCCCCCGTCAAAGGGGCAGGGC[TTTCTA>T]ATCTCCAGAGTCAACACTCCCTGCTTGCTGAACATGCGGAAGCGGGCGTCTTCTCCCAGG-3'

ClinVar aggregate classification (germline): Pathogenic (1 of 4 stars; one submission).

Conditions:
Hypertrophic cardiomyopathy. Also called: HYPERTROPHIC MYOCARDIOPATHY. Identifiers: Orphanet 217569, MedGen C0007194, MeSH D002312, MONDO:0005045, HP:0001639.

Submission:

Labcorp Genetics (formerly Invitae), Labcorp
Classification: Pathogenic for Hypertrophic cardiomyopathy. Last evaluated: 2026-01-18. Review status: criteria provided, single submitter. Criteria: Invitae Variant Classification Sherloc (09022015). Collection method: clinical testing. Allele origin: germline.
Comment: This sequence change creates a premature translational stop signal (p.Arg1241Alafs*5) in the MYBPC3 gene. It is expected to result in an absent or disrupted protein product. Loss-of-function variants in MYBPC3 are known to be pathogenic (PMID: 19574547). This variant is not present in population databases (gnomAD no frequency). This variant has not been reported in the literature in individuals affected with MYBPC3-related conditions. Algorithms developed to predict the effect of sequence changes on RNA splicing suggest that this variant may disrupt the consensus splice site. For these reasons, this variant has been classified as Pathogenic.

Literature cited by the submitters: PubMed 19574547.